The following is an entry in ClinVar:

NM_003924.4(PHOX2B):c.242-13T>G

Gene: PHOX2B (paired like homeobox 2B; minus strand). Cytogenetic location: 4p13.
Variant type: single nucleotide variant.
Coding change: c.242-13T>G on transcript NM_003924.4 (MANE Select); 13 bases into the intron before coding-DNA position 242, T replaced by G.
Molecular consequence: intron variant.
Genome position (GRCh38, 1-based): chr4:41,747,549, A>C on the plus strand (T>G on the coding strand, the complement: PHOX2B is on the minus strand). VCF-style: chr4-41747549-A-C. GRCh37 (hg19) VCF-style: chr4-41749566-A-C.
Identifiers: ClinVar variation 3367478 (VCV003367478.1).

ClinVar aggregate classification (germline): Uncertain significance (1 of 4 stars; one submission).

Submission:

GeneDx
Classification: Uncertain significance. Last evaluated: 2024-01-04. Review status: criteria provided, single submitter. Criteria: GeneDx Variant Classification Process June 2021. Collection method: clinical testing. Allele origin: germline. Affected: yes.
Comment: Not observed at significant frequency in large population cohorts (gnomAD); In silico analysis supports that this variant does not alter splicing; Has not been previously published as pathogenic or benign to our knowledge